The following is an entry in ClinVar:

ClinVar aggregate classification (germline): Likely benign (1 of 4 stars; one submission).

Allele frequency attached by ClinVar (database versions not stated): ESP Exome Variant Server 0.00046; TOPMed 0.00057; gnomAD 0.00059; gnomAD exomes 0.00112; 1000 Genomes Project 30x 0.00156; 1000 Genomes Project 0.00160; ExAC 0.00175.

Submission:

CeGaT Center for Human Genetics Tuebingen
Classification: Likely benign. Last evaluated: 2023-08-01. Review status: criteria provided, single submitter. Criteria: CeGaT Center For Human Genetics Tuebingen Variant Classification Criteria Version 2. Collection method: clinical testing. Allele origin: germline. Affected: yes. Observed: 1 variant allele.
Comment: MMP8: BP4, BS2

NM_002424.3(MMP8):c.929T>C (p.Leu310Pro)

Gene: MMP8 (matrix metallopeptidase 8; minus strand). Cytogenetic location: 11q22.2.
Variant type: single nucleotide variant.
Coding change: c.929T>C on transcript NM_002424.3 (MANE Select); coding-DNA position 929, T replaced by C.
Protein change: p.Leu310Pro; replaces leucine 310 with proline.
Molecular consequence: missense variant.
Genome position (GRCh38, 1-based): chr11:102,715,411, A>G on the plus strand (T>C on the coding strand, the complement: MMP8 is on the minus strand). VCF-style: chr11-102715411-A-G. GRCh37 (hg19) VCF-style: chr11-102586142-A-G.
Other names: c.860T>C, p.Leu287Pro (NM_001304441.2, NM_001304442.2); short protein forms L287P, L310P.
Identifiers: ClinVar variation 2642321 (VCV002642321.24), dbSNP rs61753779, ClinGen allele CA6249372.